The following is an entry in ClinVar:

ClinVar aggregate classification (germline): Pathogenic/Likely pathogenic. Review status: criteria provided, multiple submitters, no conflicts (2 of 4 stars). 2 submissions from 2 submitters: Pathogenic (1); Likely pathogenic (1). Last evaluated 2025-11-12.

Conditions:
Leigh syndrome (NULS). Also called: Leigh Disease; Subacute necrotizing encephalopathy; Necrotizing encephalopathy infantile subacute of Leigh; Leigh Syndrome (mtDNA deletion); LEIGH SYNDROME, NUCLEAR; Leigh's necrotizing encephalopathy. Identifiers: Orphanet 506, MedGen C2931891, MONDO:0009723, OMIM 256000.
Charcot-Marie-Tooth disease type 4K. Also called: CHARCOT-MARIE-TOOTH DISEASE, DEMYELINATING, TYPE 4K; CHARCOT-MARIE-TOOTH DISEASE, DEMYELINATING, AUTOSOMAL RECESSIVE, TYPE 4K; CHARCOT-MARIE-TOOTH NEUROPATHY, DEMYELINATING, AUTOSOMAL RECESSIVE, TYPE 4K. Identifiers: Orphanet 391351, MedGen C4225246, MONDO:0014733, OMIM 616684.
Mitochondrial complex IV deficiency, nuclear type 1 (MC4DN1). Also called: Mitochondrial complex IV deficiency; Complex 4 mitochondrial respiratory chain deficiency; Deficiency of mitochondrial respiratory chain complex4; Complex IV deficiency; COX DEFICIENCY. Identifiers: MedGen C5435656, MONDO:0700250, OMIM 220110. Disease mechanism: loss of function.

Submissions (2):

Labcorp Genetics (formerly Invitae), Labcorp
Classification: Pathogenic for Leigh syndrome. Last evaluated: 2025-11-12. Review status: criteria provided, single submitter. Criteria: Invitae Variant Classification Sherloc (09022015). Collection method: clinical testing. Allele origin: germline.
Comment: This sequence change creates a premature translational stop signal (p.Val276Thrfs*3) in the SURF1 gene. While this is not anticipated to result in nonsense mediated decay, it is expected to disrupt the last 25 amino acid(s) of the SURF1 protein. This variant is not present in population databases (gnomAD no frequency). This premature translational stop signal has been observed in individual(s) with mitochondrial complex IV deficiency (PMID: 16225813). ClinVar contains an entry for this variant (Variation ID: 2735360). This variant disrupts a region of the SURF1 protein in which other variant(s) (p.Ser282Cysfs*9) have been determined to be pathogenic (PMID: 9837813, 16326995, 18583168, 22488715, 23829769). This suggests that this is a clinically significant region of the protein, and that variants that disrupt it are likely to be disease-causing. For these reasons, this variant has been classified as Pathogenic.

Fulgent Genetics
Classification: Likely pathogenic for Mitochondrial complex IV deficiency, nuclear type 1; Charcot-Marie-Tooth disease type 4K. Last evaluated: 2024-01-28. Review status: criteria provided, single submitter. Criteria: ACMG Guidelines, 2015. Collection method: clinical testing. Allele origin: germline.

Literature cited by the submitters: PubMed 16225813 (cited by Labcorp Genetics (formerly Invitae), Labcorp); PubMed 9837813 (cited by Labcorp Genetics (formerly Invitae), Labcorp); PubMed 16326995 (cited by Labcorp Genetics (formerly Invitae), Labcorp); PubMed 18583168 (cited by Labcorp Genetics (formerly Invitae), Labcorp); PubMed 22488715 (cited by Labcorp Genetics (formerly Invitae), Labcorp); PubMed 23829769 (cited by Labcorp Genetics (formerly Invitae), Labcorp).

NM_003172.4(SURF1):c.820_824dup (p.Val276fs)

Gene: SURF1 (SURF1 cytochrome c oxidase assembly factor; minus strand). Cytogenetic location: 9q34.2.
Variant type: Duplication.
Coding change: c.820_824dup on transcript NM_003172.4 (MANE Select); coding-DNA positions 820 to 824, 5 bases duplicated (TACAT; older notation c.820_824dupTACAT).
Protein change: p.Val276fs; shifts the reading frame from valine 276.
Molecular consequence: frameshift variant.
Genome position (GRCh38, 1-based): chr9:133,352,070-133,352,074, ATGTA duplicated on the plus strand (TACAT on the coding strand, the reverse complement: SURF1 is on the minus strand). VCF-style (leftmost placement, unchanged base first): chr9-133352069-G-GATGTA. GRCh37 (hg19) VCF-style: chr9-136218924-G-GATGTA.
Other names: c.493_497dup, p.Val167fs (NM_001280787.1); short protein forms V167fs, V276fs.
Identifiers: ClinVar variation 2735360 (VCV002735360.4), dbSNP rs2490613455, ClinGen allele CA2695211580.
Genomic context (GRCh38, chr9:133,352,069, plus strand): 5'-AGCAGGCTGCTAGGCTGAAGGGGAGGAAGCCAGAGGGCCGCTGGGGACTCACCAGGTCAC[G>GATGTA]ATGTACTGCAGATGCTCGTTCCTCAGAGTAACTCTGGTTTGCCCTCCAATGGGTCCTCCA-3'